The following is an entry in ClinVar:

ClinVar aggregate classification (germline): Likely benign (1 of 4 stars; one submission).

gnomAD v4.1: 140 of 1,152,660 alleles (0.012%); highest among the groups gnomAD compares: Admixed American, 0.5%; 1 homozygote.

Submission:

CeGaT Center for Human Genetics Tuebingen
Classification: Likely benign. Last evaluated: 2026-04-01. Review status: criteria provided, single submitter. Criteria: CeGaT Center For Human Genetics Tuebingen Variant Classification Criteria Version 2. Collection method: clinical testing. Allele origin: germline. Affected: yes. Observed: 1 variant allele.
Comment: AOPEP: BP4, BP7

NM_001193329.3(AOPEP):c.1981C>T (p.Leu661=)

Genes: AOPEP (aminopeptidase O (putative); plus strand), LOC130002124 (ATAC-STARR-seq lymphoblastoid silent region 20061; plus strand). Cytogenetic location: 9q22.32.
Variant type: single nucleotide variant.
Coding change: c.1981C>T on transcript NM_001193329.3 (MANE Select); coding-DNA position 1981, C replaced by T.
Protein change: p.Leu661=; no amino-acid change (leucine 661 retained).
Molecular consequence: synonymous variant. On other transcripts: non-coding transcript variant (6), intron variant (1).
Genome position (GRCh38, 1-based): chr9:95,005,161, C>T. VCF-style: chr9-95005161-C-T. GRCh37 (hg19) VCF-style: chr9-97767443-C-T.
Other names: c.691C>T, p.Leu231= (NM_001386061.1); c.1660C>T, p.Leu554= (NM_001386062.2); c.1981C>T, p.Leu661= (NM_001386066.1, NM_001386068.1, NM_001386070.1 and 3 more transcripts); c.1459C>T, p.Leu487= (NM_001386067.1); c.1684C>T, p.Leu562= (NM_001386069.1, NM_032823.6); c.1977+25734C>T (NM_001386063.2).
Identifiers: ClinVar variation 4874247 (VCV004874247.2).